The following is an entry in ClinVar:

ClinVar aggregate classification (germline): Uncertain significance. Review status: criteria provided, multiple submitters, no conflicts (2 of 4 stars). 7 submissions from 7 submitters: Uncertain significance (7). Last evaluated 2026-03-27.

Conditions:
Arrhythmogenic right ventricular cardiomyopathy (ARVD). Also called: Arrhythmogenic cardiomyopathy; Cardiomyopathy, ARVC; Arrhythmogenic right ventricular dysplasia; Arrhythmogenic Right Ventricular Cardiomyopathy (ARVC). Identifiers: Orphanet 247, MedGen C0349788, MeSH D019571, MONDO:0016587. Disease mechanism: loss of function. Inheritance: Various modes of inheritance.
Cardiomyopathy (CMYO). Also called: Cardiomyopathies. Identifiers: Orphanet 167848, MedGen C0878544, MONDO:0004994, HP:0001638. Inheritance: Various modes of inheritance.
Cardiovascular phenotype. Identifiers: MedGen CN230736.
Arrhythmogenic right ventricular dysplasia 9 (ARVD9). Also called: Arrhythmogenic Right Ventricular Dysplasia/Cardiomyopathy 9; ARRHYTHMOGENIC RIGHT VENTRICULAR DYSPLASIA, FAMILIAL, 9. Identifiers: MedGen C1836906, MONDO:0012180, OMIM 609040.

Allele frequency attached by ClinVar (database versions not stated): gnomAD 0.00001; ExAC 0.00002; gnomAD exomes 0.00002; TOPMed 0.00002.
gnomAD v4.1: 34 of 1,613,924 alleles (0.0021%); highest among the groups gnomAD compares: Non-Finnish European, 0.0024%; no homozygotes.

Submissions (7):

Molecular Diagnostic Laboratory for Inherited Cardiovascular Disease, Montreal Heart Institute
Classification: Uncertain significance for Cardiovascular phenotype. Last evaluated: 2026-03-27. Review status: criteria provided, single submitter. Criteria: ACMG Guidelines, 2015. Collection method: clinical testing. Allele origin: germline. Affected: yes.
Comment: PM2

Labcorp Genetics (formerly Invitae), Labcorp
Classification: Uncertain significance for Arrhythmogenic right ventricular dysplasia 9. Last evaluated: 2025-12-15. Review status: criteria provided, single submitter. Criteria: Invitae Variant Classification Sherloc (09022015). Collection method: clinical testing. Allele origin: germline.
Comment: This sequence change replaces alanine, which is neutral and non-polar, with threonine, which is neutral and polar, at codon 691 of the PKP2 protein (p.Ala691Thr). This variant is present in population databases (rs759920696, gnomAD 0.006%). This variant has not been reported in the literature in individuals affected with PKP2-related conditions. ClinVar contains an entry for this variant (Variation ID: 923221). An algorithm developed to predict the effect of missense changes on protein structure and function (PolyPhen-2) suggests that this variant is likely to be disruptive. In summary, the available evidence is currently insufficient to determine the role of this variant in disease. Therefore, it has been classified as a Variant of Uncertain Significance.

Color Diagnostics, LLC DBA Color Health
Classification: Uncertain significance for Cardiomyopathy. Last evaluated: 2025-07-10. Review status: criteria provided, single submitter. Criteria: ACMG Guidelines, 2015. Collection method: clinical testing. Allele origin: germline.
Comment: This missense variant replaces alanine with threonine at codon 691 of the PKP2 protein. Computational prediction is inconclusive regarding the impact of this variant on protein structure and function. To our knowledge, functional studies have not been reported for this variant. This variant has not been reported in individuals affected with PKP2-related disorders in the literature. This variant has been identified in 6/251366 chromosomes in the general population by the Genome Aggregation Database (gnomAD). The available evidence is insufficient to determine the role of this variant in disease conclusively. Therefore, this variant is classified as a Variant of Uncertain Significance.

GeneDx
Classification: Uncertain significance. Last evaluated: 2024-02-28. Review status: criteria provided, single submitter. Criteria: GeneDx Variant Classification Process June 2021. Collection method: clinical testing. Allele origin: germline. Affected: yes.
Comment: Identified in association with arrhythmogenic cardiomyopathy (ACM) in published literature (PMID: 34120153); In silico analysis supports that this missense variant does not alter protein structure/function; This variant is associated with the following publications: (PMID: 34120153)

All of Us Research Program, National Institutes of Health
Classification: Uncertain significance for Arrhythmogenic right ventricular cardiomyopathy. Last evaluated: 2023-11-20. Review status: criteria provided, single submitter. Criteria: ACMG Guidelines, 2015. Collection method: clinical testing. Allele origin: germline. Inheritance: Autosomal dominant inheritance. Observed: 5 variant alleles, 5 heterozygotes.
Comment: This missense variant replaces alanine with threonine at codon 691 of the PKP2 protein. Computational prediction is inconclusive regarding the impact of this variant on protein structure and function (internally defined REVEL score threshold 0.5 < inconclusive < 0.7, PMID: 27666373). To our knowledge, functional studies have not been reported for this variant. This variant has not been reported in individuals affected with cardiovascular disorders in the literature. This variant has been identified in 6/251366 chromosomes in the general population by the Genome Aggregation Database (gnomAD). The available evidence is insufficient to determine the role of this variant in disease conclusively. Therefore, this variant is classified as a Variant of Uncertain Significance.

This study involves interpretation of variants in research participants for the purpose of population health screening. Participant phenotype was not available at the time of variant classification. Additional details can be found in publication PMID: 35346344, PMCID: PMC8962531

Fulgent Genetics
Classification: Uncertain significance for Arrhythmogenic right ventricular dysplasia 9. Last evaluated: 2022-01-18. Review status: criteria provided, single submitter. Criteria: ACMG Guidelines, 2015. Collection method: clinical testing. Allele origin: unknown.

Ambry Genetics
Classification: Uncertain significance for Cardiovascular phenotype. Last evaluated: 2021-02-11. Review status: criteria provided, single submitter. Criteria: Ambry Variant Classification Scheme 2023. Collection method: clinical testing. Allele origin: germline.
Comment: The p.A691T variant (also known as c.2071G>A), located in coding exon 10 of the PKP2 gene, results from a G to A substitution at nucleotide position 2071. The alanine at codon 691 is replaced by threonine, an amino acid with similar properties. This amino acid position is highly conserved in available vertebrate species. In addition, the in silico prediction for this alteration is inconclusive. Since supporting evidence is limited at this time, the clinical significance of this alteration remains unclear.

NM_001005242.3(PKP2):c.1939G>A (p.Ala647Thr)

Gene: PKP2 (plakophilin 2; minus strand). Cytogenetic location: 12p11.21.
Variant type: single nucleotide variant.
Coding change: c.1939G>A on transcript NM_001005242.3 (MANE Select); coding-DNA position 1939, G replaced by A.
Protein change: p.Ala647Thr; replaces alanine 647 with threonine.
Molecular consequence: missense variant.
Genome position (GRCh38, 1-based): chr12:32,821,430, C>T on the plus strand (G>A on the coding strand, the complement: PKP2 is on the minus strand). VCF-style: chr12-32821430-C-T. GRCh37 (hg19) VCF-style: chr12-32974364-C-T.
Other names: c.2071G>A, p.Ala691Thr (NM_004572.4); c.1939G>A (NM_001005242.2); short protein forms A691T, A647T.
Identifiers: ClinVar variation 923221 (VCV000923221.19), dbSNP rs759920696, ClinGen allele CA032533.